The following continues an entry in ClinVar:

NM_020975.6(RET):c.1859G>T (p.Cys620Phe)

Gene: RET. ClinVar aggregate classification (germline): Pathogenic. Pathogenic (13).

Submissions 10 to 18 of 18:

Ambry Genetics
Classification: Pathogenic for Hereditary cancer-predisposing syndrome. Last evaluated: 2022-11-10. Review status: criteria provided, single submitter. Criteria: Ambry Variant Classification Scheme 2023. Collection method: clinical testing. Allele origin: germline.
Comment: The p.C620F pathogenic mutation (also known as c.1859G>T), located in coding exon 10 of the RET gene, results from a G to T substitution at nucleotide position 1859. The cysteine at codon 620 is replaced by phenylalanine, an amino acid with highly dissimilar properties. This alteration has been reported in multiple families who satisfy diagnostic criteria for multiple endocrine neoplasia type 2A (MEN2A) and familial medullary thyroid cancer (FMTC) (Schuffenecker I et al. Hum Molec Genet. 1994;3(11):1939-1943, Hedayati M et al. J Thyroid Res. 2011;2011:264248, Frank-Raue K et al. Hum Mutat. 2011 Jan;32(1):51-8), Vaclavikova E, Endocrine 2009 Dec; 36(3):419-24, Dvorakova S, Exp. Clin. Endocrinol. Diabetes 2006 Apr; 114(4):192-6). This mutation is located in codon 620 of the RET gene, a well-described mutation hotspot, and has been categorized by the American Thyroid Association as having moderate risk for MTC and is associated with a pheochromocytoma incidence rate of 13%&ndash;24% (Wells, et al. Thyroid. 2015;25(6):567-610). Based on the available evidence, p.C620F is classified as a pathogenic mutation.

Sema4
Classification: Pathogenic for Hereditary cancer-predisposing syndrome. Last evaluated: 2021-07-14. Review status: criteria provided, single submitter. Criteria: Sema4 Curation Guidelines. Collection method: curation. Allele origin: germline.
Comment: The RET c.1859G>T (p.C620F) variant has been reported in heterozygosity in at least 5 individuals with medullary thyroid carcinoma, (PMID: 7874109, 16705552, 21765987, 19443294). This variant is not reported in the population database Genome Aggregation Database (PMID: 27535533), but has been reported in ClinVar (Variation ID 13928). In silico tools suggest the impact of the variant on protein function is deleterious, though these predictions have not been confirmed by functional studies. Based on the current evidence available, this variant is interpreted as pathogenic.

Clinical Genetics and Genomics, Karolinska University Hospital
Classification: Pathogenic. Last evaluated: 2017-01-13. Review status: criteria provided, single submitter. Criteria: ACMG Guidelines, 2015. Collection method: clinical testing. Allele origin: germline. Affected: yes. Observed: 2 variant alleles.

Eurofins Ntd Llc (ga)
Classification: Pathogenic. Last evaluated: 2016-05-09. Review status: criteria provided, single submitter. Criteria: EGL Classification Definitions 2015. Collection method: clinical testing. Allele origin: germline. Observed: 1 variant allele, 1 heterozygote.

Counsyl
Classification: Pathogenic for Multiple endocrine neoplasia type 2B. Last evaluated: 2016-05-08. Review status: no assertion criteria provided. Collection method: clinical testing. Allele origin: unknown. Not counted in ClinVar's aggregate classification.

Counsyl
Classification: Pathogenic for Multiple endocrine neoplasia type 2A. Last evaluated: 2016-05-08. Review status: no assertion criteria provided. Collection method: clinical testing. Allele origin: unknown. Not counted in ClinVar's aggregate classification.

OMIM
Classification: Pathogenic for MULTIPLE ENDOCRINE NEOPLASIA, TYPE IIA. Last evaluated: 1994-04-01. Review status: no assertion criteria provided. Collection method: literature only. Allele origin: germline. Not counted in ClinVar's aggregate classification.

Genome Diagnostics Laboratory, University Medical Center Utrecht
Classification: Pathogenic. Review status: no assertion criteria provided. Collection method: clinical testing. Allele origin: germline. Affected: yes. Study: VKGL Data-share Consensus. Not counted in ClinVar's aggregate classification.

Joint Genome Diagnostic Labs from Nijmegen and Maastricht, Radboudumc and MUMC+
Classification: Pathogenic. Review status: no assertion criteria provided. Collection method: clinical testing. Allele origin: germline. Affected: yes. Study: VKGL Data-share Consensus. Not counted in ClinVar's aggregate classification.

Literature cited by the submitters: PubMed 21765987 (cited by 5 submitters); PubMed 20979234 (cited by 6 submitters); PubMed 19443294 (cited by 6 submitters); PubMed 16705552 (cited by 5 submitters); PubMed 37374115 (cited by Dasa); PubMed 7915165 (cited by 4 submitters); PubMed 8909322 (cited by 5 submitters); PubMed 7874109 (cited by 6 submitters); PubMed 9012462 (cited by Labcorp Genetics (formerly Invitae), Labcorp); PubMed 9230192 (cited by Labcorp Genetics (formerly Invitae), Labcorp); PubMed 9879991 (cited by Labcorp Genetics (formerly Invitae), Labcorp); PubMed 33340421 (cited by Center for Genomic Medicine, Rigshospitalet, Copenhagen University Hospital); PubMed 19469690 (cited by Center for Genomic Medicine, Rigshospitalet, Copenhagen University Hospital and Ambry Genetics); PubMed 19826964 (cited by 3 submitters); PubMed 25810047 (cited by Ambry Genetics); PubMed 20664475 (cited by Counsyl); PubMed 18976013 (cited by Counsyl).